The following is an entry in ClinVar:

NM_032119.4(ADGRV1):c.14932T>C (p.Ser4978Pro)

Gene: ADGRV1 (adhesion G protein-coupled receptor V1; plus strand). Cytogenetic location: 5q14.3.
Variant type: single nucleotide variant.
Coding change: c.14932T>C on transcript NM_032119.4 (MANE Select); coding-DNA position 14932, T replaced by C.
Protein change: p.Ser4978Pro; replaces serine 4978 with proline.
Molecular consequence: missense variant. On other transcripts: non-coding transcript variant (1).
Genome position (GRCh38, 1-based): chr5:90,807,697, T>C. VCF-style: chr5-90807697-T-C. GRCh37 (hg19) VCF-style: chr5-90103514-T-C.
Other names: short protein forms S4978P.
Identifiers: ClinVar variation 3252730 (VCV003252730.1), dbSNP rs1427340487.
Genomic context (GRCh38, chr5:90,807,697, plus strand): 5'-GGAGTTTTCCTGTGGACGTTTCCTAGCCCTGGTTGGCCAGAGGCCTTTGTTCTTCACCTA[T>C]CAGGAGTGCAGAGCAGTGCTCCTGGCGGAGCTCAACTCCGGTAAGACCAACCTCATTCTC-3'
Protein context (NP_115495.3, residues 4968-4988): GWPEAFVLHL[Ser4978Pro]GVQSSAPGGA

ClinVar aggregate classification (germline): Uncertain significance (1 of 4 stars; one submission).

Allele frequency attached by ClinVar (database versions not stated): TOPMed 0.00001; gnomAD 0.00003; gnomAD exomes 0.00003.
gnomAD v4.1: 43 of 1,609,292 alleles (0.0027%); highest among the groups gnomAD compares: Non-Finnish European, 0.0037%; no homozygotes.

Submission:

GeneDx
Classification: Uncertain significance. Last evaluated: 2023-12-10. Review status: criteria provided, single submitter. Criteria: GeneDx Variant Classification Process June 2021. Collection method: clinical testing. Allele origin: germline. Affected: yes.
Comment: Not observed at significant frequency in large population cohorts (gnomAD); In silico analysis supports that this missense variant has a deleterious effect on protein structure/function; Has not been previously published as pathogenic or benign to our knowledge